The following is an entry in ClinVar:

ClinVar aggregate classification (germline): Uncertain significance (1 of 4 stars; one submission).

Conditions:
Pure or complex autosomal recessive spastic paraplegia. Identifiers: Orphanet 320346, MedGen C5679887, MONDO:0017915.

Submission:

Labcorp Genetics (formerly Invitae), Labcorp
Classification: Uncertain significance for Pure or complex autosomal recessive spastic paraplegia. Last evaluated: 2025-01-13. Review status: criteria provided, single submitter. Criteria: Invitae Variant Classification Sherloc (09022015). Collection method: clinical testing. Allele origin: germline.
Comment: This variant, c.117_122dup, results in the insertion of 2 amino acid(s) of the ZFR protein (p.Ala42_Ala43dup), but otherwise preserves the integrity of the reading frame. This variant is present in population databases (rs775981250, gnomAD 0.003%). This variant has not been reported in the literature in individuals affected with ZFR-related conditions. In summary, the available evidence is currently insufficient to determine the role of this variant in disease. Therefore, it has been classified as a Variant of Uncertain Significance.

NM_016107.5(ZFR):c.105GGC[8] (p.Ala43_Gln44insAlaAla)

Gene: ZFR (zinc finger RNA binding protein; minus strand). Cytogenetic location: 5p13.3.
Variant type: Microsatellite.
Coding change: c.105GGC[8] on transcript NM_016107.5 (MANE Select); eight copies in a row of the 3-base unit GGC starting at c.105; the reference has six copies in a row; two copies, 6 bases duplicated.
Protein change: p.Ala43_Gln44insAlaAla.
Molecular consequence: inframe insertion. On other transcripts: non-coding transcript variant (1).
Genome position (GRCh38, 1-based): chr5:32,444,244-32,444,249, GCCGCC duplicated on the plus strand (GGCGGC on the coding strand, the reverse complement: ZFR is on the minus strand); duplicating any 6 consecutive bases within chr5:32,444,244-32,444,261 gives the same sequence; the position shown is the placement nearest the transcript's 3' end. VCF-style (leftmost placement, unchanged base first): chr5-32444243-A-AGCCGCC. GRCh37 (hg19) VCF-style: chr5-32444349-A-AGCCGCC.
Identifiers: ClinVar variation 2047238 (VCV002047238.4), dbSNP rs772338532, ClinGen allele CA3222126.